The following is an entry in ClinVar:

NM_001458.5(FLNC):c.2400C>A (p.Ser800Arg)

Gene: FLNC (filamin C; plus strand). Cytogenetic location: 7q32.1.
Variant type: single nucleotide variant.
Coding change: c.2400C>A on transcript NM_001458.5 (MANE Select); coding-DNA position 2400, C replaced by A.
Protein change: p.Ser800Arg; replaces serine 800 with arginine.
Molecular consequence: missense variant.
Genome position (GRCh38, 1-based): chr7:128,842,804, C>A. VCF-style: chr7-128842804-C-A. GRCh37 (hg19) VCF-style: chr7-128482858-C-A.
Other names: c.2400C>A, p.Ser800Arg (NM_001127487.2); short protein forms S800R.
Identifiers: ClinVar variation 1378854 (VCV001378854.9), dbSNP rs748717566, ClinGen allele CA166175423.

ClinVar aggregate classification (germline): Uncertain significance. Review status: criteria provided, multiple submitters, no conflicts (2 of 4 stars). 3 submissions from 3 submitters: Uncertain significance (3). Last evaluated 2026-01-23.

Conditions:
Myofibrillar myopathy 5. Also called: Filaminopathy (type); FILAMINOPATHY, AUTOSOMAL DOMINANT. Identifiers: Orphanet 171445, MedGen C1836050, MONDO:0012289, OMIM 609524.
Distal myopathy with posterior leg and anterior hand involvement. Also called: WILLIAMS DISTAL MYOPATHY. Identifiers: Orphanet 63273, MedGen C3279722, MONDO:0013550, OMIM 614065.
Hypertrophic cardiomyopathy 26. Also called: Cardiomyopathy, familial hypertrophic, 26. Identifiers: Orphanet 75249, MedGen C4310749, MONDO:0014883, OMIM 617047.
Dilated Cardiomyopathy, Dominant.
Cardiovascular phenotype. Identifiers: MedGen CN230736.

Allele frequency attached by ClinVar (database versions not stated): gnomAD exomes 0.00001; TOPMed below 0.00001; gnomAD 0.00001.
gnomAD v4.1: 20 of 1,613,608 alleles (0.0012%); highest among the groups gnomAD compares: Non-Finnish European, 0.0015%; no homozygotes.

Submissions (3):

GeneDx
Classification: Uncertain significance. Last evaluated: 2026-01-23. Review status: criteria provided, single submitter. Criteria: GeneDx Variant Classification Process June 2021. Collection method: clinical testing. Allele origin: germline.
Comment: Not observed at significant frequency in large population cohorts (gnomAD); In silico analysis supports that this missense variant has a deleterious effect on protein structure/function; Has not been previously published as pathogenic or benign to our knowledge

Ambry Genetics
Classification: Uncertain significance for Cardiovascular phenotype. Last evaluated: 2024-03-04. Review status: criteria provided, single submitter. Criteria: Ambry Variant Classification Scheme 2023. Collection method: clinical testing. Allele origin: germline.
Comment: The p.S800R variant (also known as c.2400C>A), located in coding exon 16 of the FLNC gene, results from a C to A substitution at nucleotide position 2400. The serine at codon 800 is replaced by arginine, an amino acid with dissimilar properties. This amino acid position is highly conserved in available vertebrate species. In addition, this alteration is predicted to be deleterious by in silico analysis. Since supporting evidence is limited at this time, the clinical significance of this alteration remains unclear.

Labcorp Genetics (formerly Invitae), Labcorp
Classification: Uncertain significance for Distal myopathy with posterior leg and anterior hand involvement; Myofibrillar myopathy 5; Hypertrophic cardiomyopathy 26. Last evaluated: 2023-10-10. Review status: criteria provided, single submitter. Criteria: Invitae Variant Classification Sherloc (09022015). Collection method: clinical testing. Allele origin: germline.
Comment: This sequence change replaces serine, which is neutral and polar, with arginine, which is basic and polar, at codon 800 of the FLNC protein (p.Ser800Arg). This variant is not present in population databases (gnomAD no frequency). This variant has not been reported in the literature in individuals affected with FLNC-related conditions. ClinVar contains an entry for this variant (Variation ID: 1378854). Advanced modeling of protein sequence and biophysical properties (such as structural, functional, and spatial information, amino acid conservation, physicochemical variation, residue mobility, and thermodynamic stability) has been performed at Invitae for this missense variant, however the output from this modeling did not meet the statistical confidence thresholds required to predict the impact of this variant on FLNC protein function. In summary, the available evidence is currently insufficient to determine the role of this variant in disease. Therefore, it has been classified as a Variant of Uncertain Significance.